The following is an entry in ClinVar:

ClinVar aggregate classification (germline): Uncertain significance. Review status: criteria provided, multiple submitters, no conflicts (2 of 4 stars). 2 submissions from 2 submitters: Uncertain significance (2). Last evaluated 2023-08-17.

Allele frequency attached by ClinVar (database versions not stated): TOPMed 0.00001; gnomAD 0.00002.
gnomAD v4.1: 14 of 1,614,034 alleles (0.00087%); highest among the groups gnomAD compares: Non-Finnish European, 0.0011%; no homozygotes.

Submissions (2):

Labcorp Genetics (formerly Invitae), Labcorp
Classification: Uncertain significance. Last evaluated: 2023-08-17. Review status: criteria provided, single submitter. Criteria: Invitae Variant Classification Sherloc (09022015). Collection method: clinical testing. Allele origin: germline.
Comment: This sequence change replaces aspartic acid, which is acidic and polar, with asparagine, which is neutral and polar, at codon 565 of the CSF1R protein (p.Asp565Asn). In summary, the available evidence is currently insufficient to determine the role of this variant in disease. Therefore, it has been classified as a Variant of Uncertain Significance. Advanced modeling of protein sequence and biophysical properties (such as structural, functional, and spatial information, amino acid conservation, physicochemical variation, residue mobility, and thermodynamic stability) performed at Invitae indicates that this missense variant is not expected to disrupt CSF1R protein function. ClinVar contains an entry for this variant (Variation ID: 2152007). This missense change has been observed in individual(s) with clinical features of autosomal dominant CSF1R-related conditions (PMID: 29544907). This variant is not present in population databases (gnomAD no frequency).

GeneDx
Classification: Uncertain significance. Last evaluated: 2022-10-08. Review status: criteria provided, single submitter. Criteria: GeneDx Variant Classification Process June 2021. Collection method: clinical testing. Allele origin: germline. Affected: yes.
Comment: Identified in a patient with adult-onset Alzheimer's disease (Sassi et al., 2018); Not observed at significant frequency in large population cohorts (gnomAD); In silico analysis supports that this missense variant has a deleterious effect on protein structure/function; This variant is associated with the following publications: (PMID: 29544907)

Literature cited by the submitters: PubMed 29544907 (cited by Labcorp Genetics (formerly Invitae), Labcorp).

NM_001288705.3(CSF1R):c.1693G>A (p.Asp565Asn)

Gene: CSF1R (colony stimulating factor 1 receptor; minus strand). Cytogenetic location: 5q32.
Variant type: single nucleotide variant.
Coding change: c.1693G>A on transcript NM_001288705.3 (MANE Select); coding-DNA position 1693, G replaced by A.
Protein change: p.Asp565Asn; replaces aspartic acid 565 with asparagine.
Molecular consequence: missense variant. On other transcripts: non-coding transcript variant (2).
Genome position (GRCh38, 1-based): chr5:150,061,783, C>T on the plus strand (G>A on the coding strand, the complement: CSF1R is on the minus strand). VCF-style: chr5-150061783-C-T. GRCh37 (hg19) VCF-style: chr5-149441346-C-T.
Other names: c.1693G>A (NM_005211.3); c.1693G>A, p.Asp565Asn (NM_001349736.2, NM_001375320.1, NM_005211.4); c.1249G>A, p.Asp417Asn (NM_001375321.1); short protein forms D417N, D565N.
Identifiers: ClinVar variation 2152007 (VCV002152007.5), dbSNP rs960200814, ClinGen allele CA129062612.